The following is an entry in ClinVar:

NM_017909.4(RMND1):c.1080-32T>C

Gene: RMND1 (required for meiotic nuclear division 1 homolog; minus strand). Cytogenetic location: 6q25.1.
Variant type: single nucleotide variant.
Coding change: c.1080-32T>C on transcript NM_017909.4 (MANE Select); 32 bases into the intron before coding-DNA position 1080, T replaced by C.
Molecular consequence: intron variant.
Genome position (GRCh38, 1-based): chr6:151,417,431, A>G on the plus strand (T>C on the coding strand, the complement: RMND1 is on the minus strand). VCF-style: chr6-151417431-A-G. GRCh37 (hg19) VCF-style: chr6-151738566-A-G.
Other names: c.570-32T>C (NM_001271937.2).
Identifiers: ClinVar variation 673675 (VCV000673675.1), dbSNP rs73780685, ClinGen allele CA4050809.

ClinVar aggregate classification (germline): Benign (1 of 4 stars; one submission).

Allele frequency attached by ClinVar (database versions not stated): 1000 Genomes Project 0.10343; 1000 Genomes Project 30x 0.10587; gnomAD exomes 0.11085 and 0.11327; TOPMed 0.11112; gnomAD 0.11766 and 0.11809; ESP Exome Variant Server 0.12336; ExAC 0.12554.
gnomAD v4.1: 165,139 of 1,478,328 alleles (11%); highest among the groups gnomAD compares: Middle Eastern, 19%; 9,804 homozygotes.

Submission:

GeneDx
Classification: Benign. Last evaluated: 2018-06-16. Review status: criteria provided, single submitter. Criteria: GeneDx Variant Classification (06012015). Collection method: clinical testing. Allele origin: germline. Affected: yes.
Comment: This variant is considered likely benign or benign based on one or more of the following criteria: it is a conservative change, it occurs at a poorly conserved position in the protein, it is predicted to be benign by multiple in silico algorithms, and/or has population frequency not consistent with disease.